The following is an entry in ClinVar:

ClinVar aggregate classification (germline): Uncertain significance. Review status: criteria provided, multiple submitters, no conflicts (2 of 4 stars). 2 submissions from 2 submitters: Uncertain significance (2). Last evaluated 2026-02-03.

Conditions:
Distal myopathy with posterior leg and anterior hand involvement. Also called: WILLIAMS DISTAL MYOPATHY. Identifiers: Orphanet 63273, MedGen C3279722, MONDO:0013550, OMIM 614065.
Hypertrophic cardiomyopathy 26. Also called: Cardiomyopathy, familial hypertrophic, 26. Identifiers: Orphanet 75249, MedGen C4310749, MONDO:0014883, OMIM 617047.
Myofibrillar myopathy 5. Also called: Filaminopathy (type); FILAMINOPATHY, AUTOSOMAL DOMINANT. Identifiers: Orphanet 171445, MedGen C1836050, MONDO:0012289, OMIM 609524.

Allele frequency attached by ClinVar (database versions not stated): TOPMed 0.00001; gnomAD exomes below 0.00001.
gnomAD v4.1: 2 of 1,612,716 alleles (0.00012%); highest among the groups gnomAD compares: Non-Finnish European, 0.00017%; no homozygotes.

Submissions (2):

GeneDx
Classification: Uncertain significance. Last evaluated: 2026-02-03. Review status: criteria provided, single submitter. Criteria: GeneDx Variant Classification Process June 2021. Collection method: clinical testing. Allele origin: germline.
Comment: Not observed at significant frequency in large population cohorts (gnomAD); In silico analysis supports that this missense variant has a deleterious effect on protein structure/function; Has not been previously published as pathogenic or benign to our knowledge

Labcorp Genetics (formerly Invitae), Labcorp
Classification: Uncertain significance for Distal myopathy with posterior leg and anterior hand involvement; Myofibrillar myopathy 5; Hypertrophic cardiomyopathy 26. Last evaluated: 2024-11-05. Review status: criteria provided, single submitter. Criteria: Invitae Variant Classification Sherloc (09022015). Collection method: clinical testing. Allele origin: germline.
Comment: This sequence change replaces proline, which is neutral and non-polar, with leucine, which is neutral and non-polar, at codon 287 of the FLNC protein (p.Pro287Leu). This variant is not present in population databases (gnomAD no frequency). This variant has not been reported in the literature in individuals affected with FLNC-related conditions. ClinVar contains an entry for this variant (Variation ID: 2951582). Invitae Evidence Modeling of protein sequence and biophysical properties (such as structural, functional, and spatial information, amino acid conservation, physicochemical variation, residue mobility, and thermodynamic stability) has been performed for this missense variant. However, the output from this modeling did not meet the statistical confidence thresholds required to predict the impact of this variant on FLNC protein function. In summary, the available evidence is currently insufficient to determine the role of this variant in disease. Therefore, it has been classified as a Variant of Uncertain Significance.

NM_001458.5(FLNC):c.860C>T (p.Pro287Leu)

Gene: FLNC (filamin C; plus strand). Cytogenetic location: 7q32.1.
Variant type: single nucleotide variant.
Coding change: c.860C>T on transcript NM_001458.5 (MANE Select); coding-DNA position 860, C replaced by T.
Protein change: p.Pro287Leu; replaces proline 287 with leucine.
Molecular consequence: missense variant.
Genome position (GRCh38, 1-based): chr7:128,837,646, C>T. VCF-style: chr7-128837646-C-T. GRCh37 (hg19) VCF-style: chr7-128477700-C-T.
Other names: c.860C>T, p.Pro287Leu (NM_001127487.2); short protein forms P287L.
Identifiers: ClinVar variation 2951582 (VCV002951582.4), dbSNP rs1484676642, ClinGen allele CA369222881.